The following is an entry in ClinVar:

ClinVar aggregate classification (germline): Likely pathogenic (1 of 4 stars; one submission).

Submission:

GeneDx
Classification: Likely pathogenic. Last evaluated: 2025-04-15. Review status: criteria provided, single submitter. Criteria: GeneDx Variant Classification Process June 2021. Collection method: clinical testing. Allele origin: germline. Affected: yes.
Comment: Frameshift variant predicted to result in abnormal protein length as the last 102 amino acid(s) are replaced with 80 different amino acid(s), and other similar variants have been reported in HGMD; Not observed at significant frequency in large population cohorts (gnomAD); Has not been previously published as pathogenic or benign to our knowledge

NM_023067.4(FOXL2):c.825del (p.Asn275fs)

Gene: FOXL2 (forkhead box L2; minus strand). Cytogenetic location: 3q22.3.
Variant type: Deletion.
Coding change: c.825del on transcript NM_023067.4 (MANE Select); coding-DNA position 825, one base deleted (T; older notation c.825delT).
Protein change: p.Asn275fs; shifts the reading frame from asparagine 275.
Molecular consequence: frameshift variant.
Genome position (GRCh38, 1-based): chr3:138,945,898, A deleted on the plus strand (T on the coding strand, the reverse complement: FOXL2 is on the minus strand). VCF-style (leftmost placement, unchanged base first): chr3-138945897-CA-C. GRCh37 (hg19) VCF-style: chr3-138664739-CA-C.
Other names: short protein forms N275fs.
Identifiers: ClinVar variation 4281861 (VCV004281861.1).